The following is an entry in ClinVar:

NM_007289.4(MME):c.536-1G>A

Gene: MME (membrane metalloendopeptidase; plus strand). Cytogenetic location: 3q25.2.
Variant type: single nucleotide variant.
Coding change: c.536-1G>A on transcript NM_007289.4 (MANE Select); the canonical splice acceptor site of the intron before coding-DNA position 536, G replaced by A.
Molecular consequence: splice acceptor variant.
Genome position (GRCh38, 1-based): chr3:155,116,867, G>A. VCF-style: chr3-155116867-G-A. GRCh37 (hg19) VCF-style: chr3-154834656-G-A.
Other names: c.536-1G>A (NM_001354642.2, NM_000902.5, NM_007287.4 and 2 more transcripts).
Identifiers: ClinVar variation 1709760 (VCV001709760.14), dbSNP rs759072209, ClinGen allele CA2675206.

ClinVar aggregate classification (germline): Pathogenic/Likely pathogenic. Review status: criteria provided, multiple submitters, no conflicts (2 of 4 stars). 3 submissions from 3 submitters: Pathogenic (2); Likely pathogenic (1). Last evaluated 2025-10-01.

Conditions:
Charcot-Marie-Tooth disease axonal type 2T. Identifiers: Orphanet 443950, MedGen C4015635, OMIM 617017, MONDO:0014866.

Allele frequency attached by ClinVar (database versions not stated): gnomAD 0.00001.
gnomAD v4.1: 2 of 1,591,738 alleles (0.00013%); highest among the groups gnomAD compares: Non-Finnish European, 0.00017%; no homozygotes.

Submissions (4):

CeGaT Center for Human Genetics Tuebingen
Classification: Pathogenic. Last evaluated: 2025-10-01. Review status: criteria provided, single submitter. Criteria: CeGaT Center For Human Genetics Tuebingen Variant Classification Criteria Version 2. Collection method: clinical testing. Allele origin: germline. Affected: yes. Observed: 1 variant allele.
Comment: MME: PVS1, PM2:Supporting, PS4:Supporting

Labcorp Genetics (formerly Invitae), Labcorp
Classification: Likely pathogenic. Last evaluated: 2024-08-06. Review status: criteria provided, single submitter. Criteria: Invitae Variant Classification Sherloc (09022015). Collection method: clinical testing. Allele origin: germline.
Comment: This sequence change affects an acceptor splice site in intron 6 of the MME gene. It is expected to disrupt RNA splicing. Variants that disrupt the donor or acceptor splice site typically lead to a loss of protein function (PMID: 16199547), and loss-of-function variants in MME are known to be pathogenic (PMID: 26991897). This variant is present in population databases (rs759072209, gnomAD 0.0009%). Disruption of this splice site has been observed in individual(s) with sensorimotor peripheral neuropathy (PMID: 33144514). ClinVar contains an entry for this variant (Variation ID: 1709760). Algorithms developed to predict the effect of sequence changes on RNA splicing suggest that this variant may disrupt the consensus splice site. In summary, the currently available evidence indicates that the variant is pathogenic, but additional data are needed to prove that conclusively. Therefore, this variant has been classified as Likely Pathogenic.

MGZ Medical Genetics Center
Classification: Pathogenic for Charcot-Marie-Tooth disease axonal type 2T. Last evaluated: 2022-08-19. Review status: criteria provided, single submitter. Criteria: ACMG Guidelines, 2015. Collection method: clinical testing. Allele origin: germline. Affected: yes. Observed: 1 variant allele.
Comment: ACMG criteria applied: PVS1, PS4_SUP, PM2_SUP

Dr. Peter K. Rogan Lab, Western University
No classification provided (evidence only). Condition: Ovarian serous cystadenocarcinoma. Review status: no classification provided. Collection method: in vitro. Allele origin: not applicable. Functional consequence: retained intron. Not counted in ClinVar's aggregate classification.

Literature cited by the submitters: PubMed 16199547 (cited by Labcorp Genetics (formerly Invitae), Labcorp); PubMed 26991897 (cited by Labcorp Genetics (formerly Invitae), Labcorp); PubMed 33144514 (cited by Labcorp Genetics (formerly Invitae), Labcorp).